The following is an entry in ClinVar:

ClinVar aggregate classification (germline): Uncertain significance. Review status: criteria provided, multiple submitters, no conflicts (2 of 4 stars). 4 submissions from 4 submitters: Uncertain significance (4). Last evaluated 2025-04-15.

Conditions:
Atrioventricular septal defect 5 (AVSD5). Identifiers: MedGen C3280939, MONDO:0013769, OMIM 614474.
Atrial septal defect 9 (ASD9). Identifiers: Orphanet 1478, MedGen C3280943, MONDO:0013770, OMIM 614475.
Conotruncal heart malformations (CTHM). Also called: Conotruncal heart malformations, variable. Identifiers: Orphanet 2445, Orphanet 3384, Orphanet 3426, MedGen C1857586, MONDO:0016581, OMIM 217095.
Tetralogy of Fallot (TOF). Identifiers: Orphanet 3303, MedGen C0039685, MONDO:0008542, OMIM 187500, HP:0001636.
Heart defects, congenital, and other congenital anomalies. Also called: Pancreatic hypoplasia-diabetes-congenital heart disease syndrome; PANCREATIC HYPOPLASIA, CONGENITAL, WITH DIABETES MELLITUS AND CONGENITAL HEART DISEASE. Identifiers: Orphanet 2255, MedGen C2931296, MONDO:0010802, OMIM 600001.

Allele frequency attached by ClinVar (database versions not stated): TOPMed 0.00003; gnomAD exomes 0.00002.
gnomAD v4.1: 26 of 1,602,942 alleles (0.0016%); highest among the groups gnomAD compares: Admixed American, 0.0083%; no homozygotes.

Submissions (4):

Women's Health and Genetics/Laboratory Corporation of America, LabCorp
Classification: Uncertain significance. Last evaluated: 2025-04-15. Review status: criteria provided, single submitter. Criteria: LabCorp Variant Classification Summary - May 2015. Collection method: clinical testing. Allele origin: germline.
Comment: Variant summary: GATA6 c.367A>G (p.Thr123Ala) results in a non-conservative amino acid change in the encoded protein sequence. Three of five in-silico tools predict a damaging effect of the variant on protein function. The variant allele was found at a frequency of 2.2e-05 in 228850 control chromosomes. The available data on variant occurrences in the general population are insufficient to allow any conclusion about variant significance. To our knowledge, no occurrence of c.367A>G in individuals affected with Pancreatic Agenesis and Congenital Heart Defects and no experimental evidence demonstrating its impact on protein function have been reported. ClinVar contains an entry for this variant (Variation ID: 863328). Based on the evidence outlined above, the variant was classified as uncertain significance.

Labcorp Genetics (formerly Invitae), Labcorp
Classification: Uncertain significance for Atrioventricular septal defect 5. Last evaluated: 2025-04-14. Review status: criteria provided, single submitter. Criteria: Invitae Variant Classification Sherloc (09022015). Collection method: clinical testing. Allele origin: germline.
Comment: This sequence change replaces threonine, which is neutral and polar, with alanine, which is neutral and non-polar, at codon 123 of the GATA6 protein (p.Thr123Ala). This variant is present in population databases (no rsID available, gnomAD 0.009%). This variant has not been reported in the literature in individuals affected with GATA6-related conditions. ClinVar contains an entry for this variant (Variation ID: 863328). Invitae Evidence Modeling of protein sequence and biophysical properties (such as structural, functional, and spatial information, amino acid conservation, physicochemical variation, residue mobility, and thermodynamic stability) indicates that this missense variant is not expected to disrupt GATA6 protein function with a negative predictive value of 80%. In summary, the available evidence is currently insufficient to determine the role of this variant in disease. Therefore, it has been classified as a Variant of Uncertain Significance.

ARUP Laboratories, Molecular Genetics and Genomics, ARUP Laboratories
Classification: Uncertain significance. Last evaluated: 2024-04-23. Review status: criteria provided, single submitter. Criteria: ARUP Molecular Germline Variant Investigation Process 2024. Collection method: clinical testing. Allele origin: germline.
Comment: The GATA6 c.367A>G; p.Thr123Ala variant (rs1194141406), to our knowledge, is not reported in the medical literature but is reported in ClinVar (Variation ID: 863328). This variant is found in the general population with an overall allele frequency of 0.002% (5/228,850 alleles) in the Genome Aggregation Database (v2.1.1). Computational analyses are uncertain whether this variant is neutral or deleterious (REVEL: 0.322). Due to limited information, the clinical significance of this variant is uncertain at this time.

Fulgent Genetics
Classification: Uncertain significance for Tetralogy of Fallot; Conotruncal heart malformations; Heart defects, congenital, and other congenital anomalies; Atrioventricular septal defect 5; Atrial septal defect 9. Last evaluated: 2022-03-28. Review status: criteria provided, single submitter. Criteria: ACMG Guidelines, 2015. Collection method: clinical testing. Allele origin: unknown.

NM_005257.6(GATA6):c.367A>G (p.Thr123Ala)

Gene: GATA6 (GATA binding protein 6; plus strand). Cytogenetic location: 18q11.2.
Variant type: single nucleotide variant.
Coding change: c.367A>G on transcript NM_005257.6 (MANE Select); coding-DNA position 367, A replaced by G.
Protein change: p.Thr123Ala; replaces threonine 123 with alanine.
Molecular consequence: missense variant.
Genome position (GRCh38, 1-based): chr18:22,171,511, A>G. VCF-style: chr18-22171511-A-G. GRCh37 (hg19) VCF-style: chr18-19751472-A-G.
Other names: short protein forms T123A.
Identifiers: ClinVar variation 863328 (VCV000863328.11), dbSNP rs1194141406, ClinGen allele CA401799513.